The following is an entry in ClinVar:

NM_003742.4(ABCB11):c.2012-2A>G

Gene: ABCB11 (ATP binding cassette subfamily B member 11; minus strand). Cytogenetic location: 2q31.1.
Variant type: single nucleotide variant.
Coding change: c.2012-2A>G on transcript NM_003742.4 (MANE Select); the canonical splice acceptor site of the intron before coding-DNA position 2012, A replaced by G.
Molecular consequence: splice acceptor variant.
Genome position (GRCh38, 1-based): chr2:168,968,492, T>C on the plus strand (A>G on the coding strand, the complement: ABCB11 is on the minus strand). VCF-style: chr2-168968492-T-C. GRCh37 (hg19) VCF-style: chr2-169825002-T-C.
Identifiers: ClinVar variation 1879492 (VCV001879492.30), dbSNP rs2545376707, ClinGen allele CA349111505.

ClinVar aggregate classification (germline): Pathogenic. Review status: criteria provided, multiple submitters, no conflicts (2 of 4 stars). 2 submissions from 2 submitters: Pathogenic (2). Last evaluated 2026-04-14.

Conditions:
Familial intrahepatic cholestasis. Identifiers: Orphanet 284385, MedGen CN296401, MONDO:0017290.

Submissions (2):

Genomenon, Inc
Classification: Pathogenic for Familial intrahepatic cholestasis. Last evaluated: 2026-04-14. Review status: criteria provided, single submitter. Criteria: Genomenon Sequence Variant Interpretation Standards - Updated. Collection method: curation. Allele origin: germline. Affected: yes.
Comment: ABCB11 c.2012-2A>G is a canonical splice variant affecting the acceptor splice site of intron 16. It is predicted to affect mRNA splicing, leading to a deleterious effect on the ABCB11 protein. This variant has been observed in at least one proband with an ABCB11-related disorder (PMID:28733223). It is absent or not present at a significant frequency in gnomAD. In conclusion, we classify ABCB11 c.2012-2A>G as a pathogenic variant.

CeGaT Center for Human Genetics Tuebingen
Classification: Pathogenic. Last evaluated: 2022-10-01. Review status: criteria provided, single submitter. Criteria: CeGaT Center For Human Genetics Tuebingen Variant Classification Criteria Version 2. Collection method: clinical testing. Allele origin: germline. Affected: yes. Observed: 1 variant allele.
Comment: ABCB11: PVS1, PM2

Literature cited by the submitters: PubMed 28733223 (cited by Genomenon, Inc).